The following is an entry in ClinVar:

ClinVar aggregate classification (germline): Uncertain significance (1 of 4 stars; one submission).

gnomAD v4.1: 4 of 1,161,316 alleles (0.00034%); highest among the groups gnomAD compares: African/African-American, 0.0015%; no homozygotes.

Submission:

Center for Genomic Medicine, Rigshospitalet, Copenhagen University Hospital
Classification: Uncertain significance. Last evaluated: 2025-12-29. Review status: criteria provided, single submitter. Criteria: ACMG Guidelines, 2015. Collection method: clinical testing. Allele origin: germline.
Comment: Classification criteria: PM2_Supporting, PP3, PP4

NM_000097.7(CPOX):c.811+59A>G

Gene: CPOX (coproporphyrinogen oxidase; minus strand). Cytogenetic location: 3q11.2.
Variant type: single nucleotide variant.
Coding change: c.811+59A>G on transcript NM_000097.7 (MANE Select); 59 bases into the intron after coding-DNA position 811, A replaced by G.
Molecular consequence: intron variant.
Genome position (GRCh38, 1-based): chr3:98,590,573, T>C on the plus strand (A>G on the coding strand, the complement: CPOX is on the minus strand). VCF-style: chr3-98590573-T-C. GRCh37 (hg19) VCF-style: chr3-98309417-T-C.
Identifiers: ClinVar variation 4539426 (VCV004539426.1).
Genomic context (GRCh38, chr3:98,590,573, plus strand): 5'-GCCTCCTGAAAGACCTAATTAAGACTATTCTTTCTCGCTTTTAGATGTTATGCCCTCTTA[T>C]CTGTTTTAAAATGCACATTTTGCACGACAGTACTTTCCGTAGCTCCTGAGACCCTTACCA-3'